The following is an entry in ClinVar:

ClinVar aggregate classification (germline): Likely pathogenic (1 of 4 stars; one submission).

Conditions:
Duchenne muscular dystrophy (DMD). Also called: MUSCULAR DYSTROPHY, PSEUDOHYPERTROPHIC PROGRESSIVE, DUCHENNE TYPE; Duchenne Muscular Dystrophy (DMD). Identifiers: Orphanet 98896, MedGen C0013264, MONDO:0010679, OMIM 310200.

Submission:

Labcorp Genetics (formerly Invitae), Labcorp
Classification: Likely pathogenic for Duchenne muscular dystrophy. Last evaluated: 2018-11-09. Review status: criteria provided, single submitter. Criteria: Invitae Variant Classification Sherloc (09022015). Collection method: clinical testing. Allele origin: unknown.
Comment: In summary, the currently available evidence indicates that the variant is pathogenic, but additional data are needed to prove that conclusively. Therefore, this variant has been classified as Likely Pathogenic. Similar in-frame deletions in the same region have been reported in individuals with DMD-related muscular dystrophy (PMID: 9628192, 19937601, 19367636, 28503591). This variant has not been reported in the literature in individuals with DMD-related disease. This variant is an in-frame deletion of the genomic region encompassing exons 54-57 of the DMD gene. It preserves the integrity of the reading frame.

Literature cited by the submitters: PubMed 9628192; PubMed 19937601; PubMed 19367636; PubMed 28503591.

NC_000023.11:g.(?_31496778)_(31658154_?)del

Gene: DMD (dystrophin; minus strand). Cytogenetic location: Xp21.2-21.1.
Variant type: Deletion.
Identifiers: ClinVar variation 3248418 (VCV003248418.1).